The following is an entry in ClinVar:

NM_144997.7(FLCN):c.1076C>T (p.Pro359Leu)

Gene: FLCN (folliculin; minus strand). Cytogenetic location: 17p11.2.
Variant type: single nucleotide variant.
Coding change: c.1076C>T on transcript NM_144997.7 (MANE Select); coding-DNA position 1076, C replaced by T.
Protein change: p.Pro359Leu; replaces proline 359 with leucine.
Molecular consequence: missense variant.
Genome position (GRCh38, 1-based): chr17:17,217,169, G>A on the plus strand (C>T on the coding strand, the complement: FLCN is on the minus strand). VCF-style: chr17-17217169-G-A. GRCh37 (hg19) VCF-style: chr17-17120483-G-A.
Other names: c.1130C>T, p.Pro377Leu (NM_001353229.2); c.1076C>T, p.Pro359Leu (NM_001353230.2, NM_001353231.2); short protein forms P359L, P377L.
Identifiers: ClinVar variation 3850580 (VCV003850580.2).

ClinVar aggregate classification (germline): Uncertain significance. Review status: criteria provided, multiple submitters, no conflicts (2 of 4 stars). 2 submissions from 2 submitters: Uncertain significance (2). Last evaluated 2025-06-15.

Conditions:
Hereditary cancer-predisposing syndrome. Also called: Neoplastic Syndromes, Hereditary; Tumor predisposition; Hereditary neoplastic syndrome; Hereditary Cancer Syndrome. Identifiers: Orphanet 140162, MedGen C0027672, MeSH D009386, MONDO:0015356.
Birt-Hogg-Dube syndrome. Also called: Birt Hogg Dubé syndrome. Identifiers: Orphanet 122, MedGen C0346010, MONDO:0800444.

gnomAD v4.1: 1 of 1,613,460 alleles (0.000062%); highest among the groups gnomAD compares: East Asian, 0.0022%; no homozygotes.

Submissions (2):

Labcorp Genetics (formerly Invitae), Labcorp
Classification: Uncertain significance for Birt-Hogg-Dube syndrome. Last evaluated: 2025-06-15. Review status: criteria provided, single submitter. Criteria: Invitae Variant Classification Sherloc (09022015). Collection method: clinical testing. Allele origin: germline.
Comment: This sequence change replaces proline, which is neutral and non-polar, with leucine, which is neutral and non-polar, at codon 359 of the FLCN protein (p.Pro359Leu). This variant is not present in population databases (gnomAD no frequency). This variant has not been reported in the literature in individuals affected with FLCN-related conditions. ClinVar contains an entry for this variant (Variation ID: 3850580). Invitae Evidence Modeling of protein sequence and biophysical properties (such as structural, functional, and spatial information, amino acid conservation, physicochemical variation, residue mobility, and thermodynamic stability) indicates that this missense variant is not expected to disrupt FLCN protein function with a negative predictive value of 80%. In summary, the available evidence is currently insufficient to determine the role of this variant in disease. Therefore, it has been classified as a Variant of Uncertain Significance.

Ambry Genetics
Classification: Uncertain significance for Hereditary cancer-predisposing syndrome. Last evaluated: 2025-03-07. Review status: criteria provided, single submitter. Criteria: Ambry Variant Classification Scheme 2023. Collection method: clinical testing. Allele origin: germline.
Comment: The p.P359L variant (also known as c.1076C>T), located in coding exon 7 of the FLCN gene, results from a C to T substitution at nucleotide position 1076. The proline at codon 359 is replaced by leucine, an amino acid with similar properties. This amino acid position is not well conserved in available vertebrate species. In addition, this alteration is predicted to be tolerated by in silico analysis. Based on the available evidence, the clinical significance of this variant remains unclear.